The following is an entry in ClinVar:

ClinVar aggregate classification (germline): Uncertain significance. Review status: criteria provided, multiple submitters, no conflicts (2 of 4 stars). 4 submissions from 4 submitters: Uncertain significance (4). Last evaluated 2025-12-24.

Conditions:
Hereditary cancer-predisposing syndrome. Also called: Neoplastic Syndromes, Hereditary; Hereditary neoplastic syndrome; Tumor predisposition; Hereditary Cancer Syndrome. Identifiers: Orphanet 140162, MedGen C0027672, MeSH D009386, MONDO:0015356.
Hereditary pheochromocytoma and paraganglioma. Also called: Hereditary Paraganglioma-Pheochromocytoma Syndromes; Hereditary paragangliomas and pheochromocytomas; Hereditary pheochromocytoma-paraganglioma. Identifiers: Orphanet 29072, MedGen C4274332, MONDO:0017366.
Pheochromocytoma. Also called: MAX-Related Hereditary Paraganglioma-Pheochromocytoma Syndrome. Identifiers: Orphanet 29072, MedGen C0031511, MONDO:0008233, OMIM 171300, HP:0002666.

Allele frequency attached by ClinVar (database versions not stated): gnomAD exomes below 0.00001; gnomAD 0.00001; TOPMed 0.00001.

Submissions (4):

Labcorp Genetics (formerly Invitae), Labcorp
Classification: Uncertain significance for Hereditary pheochromocytoma and paraganglioma. Last evaluated: 2025-12-24. Review status: criteria provided, single submitter. Criteria: Invitae Variant Classification Sherloc (09022015). Collection method: clinical testing. Allele origin: germline.
Comment: This sequence change replaces serine, which is neutral and polar, with asparagine, which is neutral and polar, at codon 21 of the TMEM127 protein (p.Ser21Asn). This variant is present in population databases (no rsID available, gnomAD 0.002%). This variant has not been reported in the literature in individuals affected with TMEM127-related conditions. ClinVar contains an entry for this variant (Variation ID: 486547). Experimental studies and prediction algorithms are not available or were not evaluated, and the functional significance of this variant is currently unknown. In summary, the available evidence is currently insufficient to determine the role of this variant in disease. Therefore, it has been classified as a Variant of Uncertain Significance.

Ambry Genetics
Classification: Uncertain significance for Hereditary cancer-predisposing syndrome. Last evaluated: 2024-11-28. Review status: criteria provided, single submitter. Criteria: Ambry Variant Classification Scheme 2023. Collection method: clinical testing. Allele origin: germline.
Comment: The p.S21N variant (also known as c.62G>A), located in coding exon 1 of the TMEM127 gene, results from a G to A substitution at nucleotide position 62. The serine at codon 21 is replaced by asparagine, an amino acid with highly similar properties. This amino acid position is not well conserved in available vertebrate species. In addition, this alteration is predicted to be tolerated by in silico analysis. Since supporting evidence is limited at this time, the clinical significance of this alteration remains unclear.

GeneDx
Classification: Uncertain significance. Last evaluated: 2024-02-23. Review status: criteria provided, single submitter. Criteria: GeneDx Variant Classification Process June 2021. Collection method: clinical testing. Allele origin: germline. Affected: yes.
Comment: Not observed at significant frequency in large population cohorts (gnomAD); In silico analysis supports that this missense variant does not alter protein structure/function; Has not been previously published as pathogenic or benign to our knowledge

Baylor Genetics
Classification: Uncertain significance for Pheochromocytoma. Last evaluated: 2023-07-06. Review status: criteria provided, single submitter. Criteria: ACMG Guidelines, 2015. Collection method: clinical testing. Allele origin: unknown.

NM_017849.4(TMEM127):c.62G>A (p.Ser21Asn)

Genes: TMEM127 (transmembrane protein 127; minus strand), LOC129934333 (ATAC-STARR-seq lymphoblastoid silent region 11759; plus strand). Cytogenetic location: 2q11.2.
Variant type: single nucleotide variant.
Coding change: c.62G>A on transcript NM_017849.4 (MANE Select); coding-DNA position 62, G replaced by A.
Protein change: p.Ser21Asn; replaces serine 21 with asparagine.
Molecular consequence: missense variant.
Genome position (GRCh38, 1-based): chr2:96,265,320, C>T on the plus strand (G>A on the coding strand, the complement: TMEM127 is on the minus strand). VCF-style: chr2-96265320-C-T. GRCh37 (hg19) VCF-style: chr2-96931058-C-T.
Other names: c.62G>A, p.Ser21Asn (NM_001193304.3); short protein forms S21N.
Identifiers: ClinVar variation 486547 (VCV000486547.16), dbSNP rs1348645128, ClinGen allele CA347656193.
Genomic context (GRCh38, chr2:96,265,320, plus strand): 5'-ATAGACAGGGCGCCAGGCAGGGCCGAGGCCAGGCTACGCTCCGGCTGCTTGGGCAGAGCG[C>T]TGCCTCCCGGGCTCCTCCGCCGGCGCCCGCCGGGCAGCCCTGCGCCTCCGGGGGCGTACA-3'
Protein context (NP_060319.1, residues 11-31): GGRRRRSPGG[Ser21Asn]ALPKQPERSL